The following is an entry in ClinVar:

ClinVar aggregate classification (germline): Likely benign. Review status: criteria provided, single submitter (1 of 4 stars). 2 submissions from 2 submitters: Likely benign (1). 1 of the submissions does not count toward it. Last evaluated 2025-08-12.

Conditions:
WDPCP-related disorder. Also called: WDPCP-related condition.
Bardet-Biedl syndrome (BBS). Identifiers: Orphanet 110, MedGen C0752166, MONDO:0015229.

gnomAD v4.1: 5 of 1,613,674 alleles (0.00031%); highest among the groups gnomAD compares: African/African-American, 0.0067%; no homozygotes.

Submissions (2):

Labcorp Genetics (formerly Invitae), Labcorp
Classification: Likely benign for Bardet-Biedl syndrome. Last evaluated: 2025-08-12. Review status: criteria provided, single submitter. Criteria: Invitae Variant Classification Sherloc (09022015). Collection method: clinical testing. Allele origin: germline.

PreventionGenetics, part of Exact Sciences
Classification: Likely benign for WDPCP-related condition. Last evaluated: 2022-11-07. Review status: no assertion criteria provided. Collection method: clinical testing. Allele origin: germline. Not counted in ClinVar's aggregate classification.
Comment: This variant is classified as likely benign based on ACMG/AMP sequence variant interpretation guidelines (Richards et al. 2015 PMID: 25741868, with internal and published modifications).

NM_015910.7(WDPCP):c.1773T>C (p.Phe591=)

Gene: WDPCP (WD repeat containing planar cell polarity effector; minus strand). Cytogenetic location: 2p15.
Variant type: single nucleotide variant.
Coding change: c.1773T>C on transcript NM_015910.7 (MANE Select); coding-DNA position 1773, T replaced by C.
Protein change: p.Phe591=; no amino-acid change (phenylalanine 591 retained).
Molecular consequence: synonymous variant. On other transcripts: non-coding transcript variant (3).
Genome position (GRCh38, 1-based): chr2:63,313,287, A>G on the plus strand (T>C on the coding strand, the complement: WDPCP is on the minus strand). VCF-style: chr2-63313287-A-G. GRCh37 (hg19) VCF-style: chr2-63540422-A-G.
Other names: c.1296T>C, p.Phe432= (NM_001042692.3); c.1701T>C, p.Phe567= (NM_001354044.2).
Identifiers: ClinVar variation 3352184 (VCV003352184.2).